The following is an entry in ClinVar:

ClinVar aggregate classification (germline): Uncertain significance (1 of 4 stars; one submission).

Conditions:
Pitt-Hopkins-like syndrome 2 (PTHSL2). Identifiers: Orphanet 221150, Orphanet 600663, MedGen C3280479, MONDO:0013690, OMIM 614325.

gnomAD v4.1: 13 of 1,613,970 alleles (0.00081%); highest among the groups gnomAD compares: Non-Finnish European, 0.0011%; no homozygotes.

Submission:

Labcorp Genetics (formerly Invitae), Labcorp
Classification: Uncertain significance for Pitt-Hopkins-like syndrome 2. Last evaluated: 2018-01-15. Review status: criteria provided, single submitter. Criteria: Invitae Variant Classification Sherloc (09022015). Collection method: clinical testing. Allele origin: germline.
Comment: This sequence change replaces isoleucine with methionine at codon 557 of the NRXN1 protein (p.Ile557Met). The isoleucine residue is highly conserved and there is a small physicochemical difference between isoleucine and methionine. This variant is not present in population databases (ExAC no frequency). This variant has not been reported in the literature in individuals with NRXN1-related disease. Algorithms developed to predict the effect of missense changes on protein structure and function do not agree on the potential impact of this missense change (SIFT: "Deleterious"; PolyPhen-2: "Benign"; Align-GVGD: "Class C0"). In summary, the available evidence is currently insufficient to determine the role of this variant in disease. Therefore, it has been classified as a Variant of Uncertain Significance.

NM_001330078.2(NRXN1):c.1551C>G (p.Ile517Met)

Gene: NRXN1 (neurexin 1; minus strand). Cytogenetic location: 2p16.3.
Variant type: single nucleotide variant.
Coding change: c.1551C>G on transcript NM_001330078.2 (MANE Select); coding-DNA position 1551, C replaced by G.
Protein change: p.Ile517Met; replaces isoleucine 517 with methionine.
Molecular consequence: missense variant.
Genome position (GRCh38, 1-based): chr2:50,552,795, G>C on the plus strand (C>G on the coding strand, the complement: NRXN1 is on the minus strand). VCF-style: chr2-50552795-G-C. GRCh37 (hg19) VCF-style: chr2-50779933-G-C.
Other names: c.1671C>G, p.Ile557Met (NM_001135659.3); c.1527C>G, p.Ile509Met (NM_001330077.2, NM_001330082.2, NM_001330095.2); c.1512C>G, p.Ile504Met (NM_001330083.2, NM_001330084.2); c.1551C>G, p.Ile517Met (NM_001330085.2, NM_001330086.2, NM_004801.6); c.1467C>G, p.Ile489Met (NM_001330087.2, NM_001330096.2); c.1497C>G, p.Ile499Met (NM_001330088.2); c.1548C>G, p.Ile516Met (NM_001330093.2); c.1539C>G, p.Ile513Met (NM_001330094.2); short protein forms I557M, I509M, I517M, I504M, I516M, I489M, I499M, I513M.
Identifiers: ClinVar variation 539884 (VCV000539884.8), dbSNP rs1553778339, ClinGen allele CA346773515.